The following is an entry in ClinVar:

NM_006208.3(ENPP1):c.*2737C>T

Gene: ENPP1 (ectonucleotide pyrophosphatase/phosphodiesterase 1; plus strand). Cytogenetic location: 6q23.2.
Variant type: single nucleotide variant.
Coding change: c.*2737C>T on transcript NM_006208.3 (MANE Select); 2737 bases downstream of the stop codon, C replaced by T.
Molecular consequence: 3 prime UTR variant.
Genome position (GRCh38, 1-based): chr6:131,893,248, C>T. VCF-style: chr6-131893248-C-T. GRCh37 (hg19) VCF-style: chr6-132214388-C-T.
Identifiers: ClinVar variation 355407 (VCV000355407.5), dbSNP rs545095322, ClinGen allele CA10625793.

ClinVar aggregate classification (germline): Benign. Review status: criteria provided, single submitter (1 of 4 stars). 2 submissions from 1 submitter: Benign (2). Last evaluated 2018-01-13.

Conditions:
Hypophosphatemic rickets, autosomal recessive, 2 (ARHR2). Identifiers: Orphanet 289176, MedGen C2750078, MONDO:0013219, OMIM 613312.
Arterial calcification, generalized, of infancy, 1 (GACI1). Also called: Idiopathic Infantile Arterial Calcification. Identifiers: Orphanet 51608, MedGen C4551985, MONDO:0008817, OMIM 208000.

Allele frequency attached by ClinVar (database versions not stated): gnomAD 0.00017 and 0.00086; TOPMed 0.00025; 1000 Genomes Project 30x 0.00703; 1000 Genomes Project 0.00739.

Submissions (2):

Illumina Laboratory Services, Illumina
Classification: Benign for Hypophosphatemic rickets, autosomal recessive, 2. Last evaluated: 2018-01-13. Review status: criteria provided, single submitter. Criteria: ICSL Variant Classification Criteria 13 December 2019. Collection method: clinical testing. Allele origin: germline.
Comment: This variant was observed in the ICSL laboratory as part of a predisposition screen in an ostensibly healthy population. It had not been previously curated by ICSL or reported in the Human Gene Mutation Database (HGMD: prior to June 1st, 2018), and was therefore a candidate for classification through an automated scoring system. Utilizing variant allele frequency, disease prevalence and penetrance estimates, and inheritance mode, an automated score was calculated to assess if this variant is too frequent to cause the disease. Based on the score and internal cut-off values, a variant classified as benign is not then subjected to further curation. The score for this variant resulted in a classification of benign for this disease.

Illumina Laboratory Services, Illumina
Classification: Benign for Arterial calcification, generalized, of infancy, 1. Last evaluated: 2018-01-13. Review status: criteria provided, single submitter. Criteria: ICSL Variant Classification Criteria 13 December 2019. Collection method: clinical testing. Allele origin: germline.
Comment: the same text as in the submission from Illumina Laboratory Services, Illumina above.